The following is an entry in ClinVar:

NM_024675.4(PALB2):c.3256_3257insAGCTCACT (p.Arg1086fs)

Gene: PALB2 (partner and localizer of BRCA2; minus strand). Cytogenetic location: 16p12.2.
Variant type: Insertion.
Coding change: c.3256_3257insAGCTCACT on transcript NM_024675.4 (MANE Select); coding-DNA positions 3256 to 3257, AGCTCACT inserted.
Protein change: p.Arg1086fs; shifts the reading frame from arginine 1086.
Molecular consequence: frameshift variant. On other transcripts: intron variant (8).
Genome position: GRCh38 VCF-style: chr16-23607957-C-CAGTGAGCT. GRCh37 (hg19) VCF-style: chr16-23619278-C-CAGTGAGCT.
Other names: c.3196_3197insAGCTCACT, p.Arg1066fs (NM_001407296.1); c.3184_3185insAGCTCACT, p.Arg1062fs (NM_001407297.1); c.3094_3095insAGCTCACT, p.Arg1032fs (NM_001407298.1); c.2977_2978insAGCTCACT, p.Arg993fs (NM_001407300.1); c.2371_2372insAGCTCACT, p.Arg791fs (NM_001407304.1, NM_001407305.1, NM_001407306.1); c.2209_2210insAGCTCACT, p.Arg737fs (NM_001407307.1); c.1468_1469insAGCTCACT, p.Arg490fs (NM_001407312.1); c.790_791insAGCTCACT, p.Arg264fs (NM_001407314.1); and 6 more; short protein forms R1062fs, R264fs, R737fs, R993fs, R490fs, R791fs, R1032fs, R1066fs.
Identifiers: ClinVar variation 4717611 (VCV004717611.1).
Genomic context (GRCh38, chr16:23,607,957, plus strand): 5'-ATCACACCCACGCTGAGAGTCGTCTTAGGGTTAATCACAATGAGCTGAAACACAGGGCTT[C>CAGTGAGCT]GCAACGACTCACTCTCTTTGGCACAGGGATGACTCAGGACAATAAAGAGAAGCCCCTAAT-3'

ClinVar aggregate classification (germline): Pathogenic (1 of 4 stars; one submission).

Conditions:
Familial cancer of breast. Also called: hereditary breast carcinoma; BREAST CANCER, FAMILIAL; Hereditary breast cancer. Identifiers: Orphanet 227535, MedGen C0346153, MONDO:0016419, OMIM 114480. Disease mechanism: loss of function.

Submission:

Labcorp Genetics (formerly Invitae), Labcorp
Classification: Pathogenic for Familial cancer of breast. Last evaluated: 2025-04-17. Review status: criteria provided, single submitter. Criteria: Invitae Variant Classification Sherloc (09022015). Collection method: clinical testing. Allele origin: germline.
Comment: This sequence change creates a premature translational stop signal (p.Arg1086Glnfs*12) in the PALB2 gene. It is expected to result in an absent or disrupted protein product. Loss-of-function variants in PALB2 are known to be pathogenic (PMID: 17200668, 17200671, 17200672, 24136930, 25099575). This variant is not present in population databases (gnomAD no frequency). This variant has not been reported in the literature in individuals affected with PALB2-related conditions. Algorithms developed to predict the effect of sequence changes on RNA splicing suggest that this variant may disrupt the consensus splice site. For these reasons, this variant has been classified as Pathogenic.

Literature cited by the submitters: PubMed 17200668; PubMed 17200671; PubMed 17200672; PubMed 24136930; PubMed 25099575.